The following is an entry in ClinVar:

ClinVar aggregate classification (germline): Uncertain significance. Review status: criteria provided, multiple submitters, no conflicts (2 of 4 stars). 2 submissions from 2 submitters: Uncertain significance (2). Last evaluated 2025-08-11.

Conditions:
Autosomal dominant familial hematuria-retinal arteriolar tortuosity-contractures syndrome. Also called: Angiopathy, hereditary, with nephropathy, aneurysms, and muscle cramps; Hereditary Angiopathy with Nephropathy, Aneurysms, and Muscle Cramps (HANAC) Syndrome. Identifiers: Orphanet 73229, MedGen C2673195, MONDO:0012726, OMIM 611773.
Retinal arterial tortuosity. Also called: RETINAL HEMORRHAGE WITH VASCULAR TORTUOSITY; Retinal arteries, tortuosity of. Identifiers: Orphanet 75326, MedGen C0423401, MONDO:0008373, OMIM 180000, HP:0000631.
Microangiopathy and leukoencephalopathy, pontine, autosomal dominant. Also called: DEMENTIA, HEREDITARY MULTI-INFARCT, SWEDISH TYPE; Pontine autosomal dominant microangiopathy with leukoencephalopathy. Identifiers: Orphanet 477749, MedGen C5231411, MONDO:0032814, OMIM 618564.
Brain small vessel disease 1 with or without ocular anomalies (BSVD1). Also called: GOULD SYNDROME 1; BRAIN SMALL VESSEL DISEASE WITH HEMORRHAGE; Brain small vessel disease with or without ocular anomalies; PORENCEPHALY, TYPE 1, AUTOSOMAL DOMINANT. Identifiers: Orphanet 2940, Orphanet 36383, Orphanet 99810, MedGen C4755307, MONDO:0008289, OMIM 175780.
Hemorrhage, intracerebral, susceptibility to (ICH). Also called: Stroke, hemorrhagic, susceptibility to. Identifiers: MedGen C3281105, MONDO:0100533, OMIM 614519.

Allele frequency attached by ClinVar (database versions not stated): TOPMed 0.00001.
gnomAD v4.1: 2 of 1,474,412 alleles (0.00014%); highest among the groups gnomAD compares: South Asian, 0.0026%; no homozygotes.

Submissions (2):

Labcorp Genetics (formerly Invitae), Labcorp
Classification: Uncertain significance. Last evaluated: 2025-08-11. Review status: criteria provided, single submitter. Criteria: Invitae Variant Classification Sherloc (09022015). Collection method: clinical testing. Allele origin: germline.
Comment: This sequence change replaces alanine, which is neutral and non-polar, with glycine, which is neutral and non-polar, at codon 25 of the COL4A1 protein (p.Ala25Gly). This variant is present in population databases (no rsID available, gnomAD 0.006%). This variant has not been reported in the literature in individuals affected with COL4A1-related conditions. ClinVar contains an entry for this variant (Variation ID: 1978615). Invitae Evidence Modeling of protein sequence and biophysical properties (such as structural, functional, and spatial information, amino acid conservation, physicochemical variation, residue mobility, and thermodynamic stability) indicates that this missense variant is not expected to disrupt COL4A1 protein function with a negative predictive value of 95%. In summary, the available evidence is currently insufficient to determine the role of this variant in disease. Therefore, it has been classified as a Variant of Uncertain Significance.

Fulgent Genetics
Classification: Uncertain significance for Brain small vessel disease 1 with or without ocular anomalies; Retinal arterial tortuosity; Autosomal dominant familial hematuria-retinal arteriolar tortuosity-contractures syndrome; Hemorrhage, intracerebral, susceptibility to; Microangiopathy and leukoencephalopathy, pontine, autosomal dominant. Last evaluated: 2024-04-22. Review status: criteria provided, single submitter. Criteria: ACMG Guidelines, 2015. Collection method: clinical testing. Allele origin: germline.

NM_001845.6(COL4A1):c.74C>G (p.Ala25Gly)

Gene: COL4A1 (collagen type IV alpha 1 chain; minus strand). Cytogenetic location: 13q34.
Variant type: single nucleotide variant.
Coding change: c.74C>G on transcript NM_001845.6 (MANE Select); coding-DNA position 74, C replaced by G.
Protein change: p.Ala25Gly; replaces alanine 25 with glycine.
Molecular consequence: missense variant.
Genome position (GRCh38, 1-based): chr13:110,306,954, G>C on the plus strand (C>G on the coding strand, the complement: COL4A1 is on the minus strand). VCF-style: chr13-110306954-G-C. GRCh37 (hg19) VCF-style: chr13-110959301-G-C.
Other names: c.74C>G, p.Ala25Gly (NM_001303110.2); short protein forms A25G.
Identifiers: ClinVar variation 1978615 (VCV001978615.5), dbSNP rs1188718847, ClinGen allele CA388732470.